The following is an entry in ClinVar:

NM_000088.4(COL1A1):c.1299+2T>C

Gene: COL1A1 (collagen type I alpha 1 chain; minus strand). Cytogenetic location: 17q21.33.
Variant type: single nucleotide variant.
Coding change: c.1299+2T>C on transcript NM_000088.4 (MANE Select); the canonical splice donor site of the intron after coding-DNA position 1299, T replaced by C.
Molecular consequence: splice donor variant.
Genome position (GRCh38, 1-based): chr17:50,195,230, A>G on the plus strand (T>C on the coding strand, the complement: COL1A1 is on the minus strand). VCF-style: chr17-50195230-A-G. GRCh37 (hg19) VCF-style: chr17-48272591-A-G.
Identifiers: ClinVar variation 4884177 (VCV004884177.2).

ClinVar aggregate classification (germline): Likely pathogenic (1 of 4 stars; one submission).

Submission:

Dasa
Classification: Likely pathogenic. Last evaluated: 2026-01-15. Review status: criteria provided, single submitter. Criteria: DASA Assertion Criteria. Collection method: clinical testing. Allele origin: germline.
Comment: NM_000088.4(COL1A1):c.1299+2T>C affects a canonical splice site and is predicted to disrupt normal RNA splicing. Loss of function is an established disease mechanism for COL1A1 (PMID: 9067755; PMID: 9016532). Also, this variant is rare in population databases. Based on the currently available evidence, this variant is classified as likely pathogenic.

Literature cited by the submitters: PubMed 9067755; PubMed 9016532.